The following is an entry in ClinVar:

ClinVar aggregate classification (germline): Uncertain significance. Review status: criteria provided, multiple submitters, no conflicts (2 of 4 stars). 4 submissions from 4 submitters: Uncertain significance (4). Last evaluated 2025-05-17.

Conditions:
Malignant hyperthermia, susceptibility to, 5 (MHS5). Also called: CACNA1S-Related Malignant Hyperthermia Susceptibility. Identifiers: Orphanet 423, MedGen C1866077, MONDO:0011163, OMIM 601887.
Hypokalemic periodic paralysis, type 1. Also called: HypoPP; Hypokalemic Periodic Paralysis Type 1 (AD). Identifiers: Orphanet 681, MedGen C3714580, MONDO:0042979, OMIM 170400.
Inborn genetic diseases. Identifiers: MedGen C0950123, MeSH D030342.

Allele frequency attached by ClinVar (database versions not stated): ExAC 0.00001; gnomAD 0.00001; gnomAD exomes 0.00001; TOPMed 0.00001.
gnomAD v4.1: 6 of 1,614,046 alleles (0.00037%); highest among the groups gnomAD compares: Admixed American, 0.0067%; no homozygotes.

Submissions (4):

Ambry Genetics
Classification: Uncertain significance for Inborn genetic diseases. Last evaluated: 2025-05-17. Review status: criteria provided, single submitter. Criteria: Ambry Variant Classification Scheme 2023. Collection method: clinical testing. Allele origin: germline.

Labcorp Genetics (formerly Invitae), Labcorp
Classification: Uncertain significance for Hypokalemic periodic paralysis, type 1; Malignant hyperthermia, susceptibility to, 5. Last evaluated: 2024-06-01. Review status: criteria provided, single submitter. Criteria: Invitae Variant Classification Sherloc (09022015). Collection method: clinical testing. Allele origin: germline.
Comment: This sequence change replaces cysteine, which is neutral and slightly polar, with phenylalanine, which is neutral and non-polar, at codon 501 of the CACNA1S protein (p.Cys501Phe). This variant is present in population databases (rs767628675, gnomAD 0.006%). This variant has not been reported in the literature in individuals affected with CACNA1S-related conditions. ClinVar contains an entry for this variant (Variation ID: 446958). Advanced modeling of protein sequence and biophysical properties (such as structural, functional, and spatial information, amino acid conservation, physicochemical variation, residue mobility, and thermodynamic stability) performed at Invitae indicates that this missense variant is not expected to disrupt CACNA1S protein function with a negative predictive value of 80%. In summary, the available evidence is currently insufficient to determine the role of this variant in disease. Therefore, it has been classified as a Variant of Uncertain Significance.

Color Diagnostics, LLC DBA Color Health
Classification: Uncertain significance for Malignant hyperthermia, susceptibility to, 5. Last evaluated: 2023-08-31. Review status: criteria provided, single submitter. Criteria: ACMG Guidelines, 2015. Collection method: clinical testing. Allele origin: germline.
Comment: This missense variant replaces cysteine with phenylalanine at codon 501 of the CACNA1S protein. Computational prediction suggests that this variant may not impact protein structure and function (internally defined REVEL score threshold <= 0.5, PMID: 27666373). To our knowledge, functional studies have not been reported for this variant. This variant has not been reported in individuals affected with CACNA1S-related disorders in the literature. This variant has been identified in 3/251490 chromosomes in the general population by the Genome Aggregation Database (gnomAD). The available evidence is insufficient to determine the role of this variant in disease conclusively. Therefore, this variant is classified as a Variant of Uncertain Significance.

Athena Diagnostics
Classification: Uncertain significance. Last evaluated: 2017-02-20. Review status: criteria provided, single submitter. Criteria: Athena Diagnostics Criteria. Collection method: clinical testing. Allele origin: germline.

NM_000069.3(CACNA1S):c.1502G>T (p.Cys501Phe)

Gene: CACNA1S (calcium voltage-gated channel subunit alpha1 S; minus strand). Cytogenetic location: 1q32.1.
Variant type: single nucleotide variant.
Coding change: c.1502G>T on transcript NM_000069.3 (MANE Select); coding-DNA position 1502, G replaced by T.
Protein change: p.Cys501Phe; replaces cysteine 501 with phenylalanine.
Molecular consequence: missense variant.
Genome position (GRCh38, 1-based): chr1:201,077,996, C>A on the plus strand (G>T on the coding strand, the complement: CACNA1S is on the minus strand). VCF-style: chr1-201077996-C-A. GRCh37 (hg19) VCF-style: chr1-201047124-C-A.
Other names: short protein forms C501F.
Identifiers: ClinVar variation 446958 (VCV000446958.5), dbSNP rs767628675, ClinGen allele CA078273.